The following is an entry in ClinVar:

NM_000179.3(MSH6):c.3986_4001+3inv

Gene: MSH6 (mutS homolog 6; plus strand). Cytogenetic location: 2p16.3.
Variant type: Inversion.
Coding change: c.3986_4001+3inv on transcript NM_000179.3 (MANE Select).
Molecular consequence: splice donor variant. On other transcripts: intron variant (1).
Genome position: GRCh38: chr2:47,806,636-47,806,654. GRCh37 (hg19): chr2:48,033,775-48,033,793.
Other names: c.3986_4001+3inv (NM_001406809.1, NM_001406796.1, NM_001406808.1); c.3080_3095+3inv (NM_001406811.1, NM_001406814.1, NM_001281493.2 and 6 more transcripts); c.3689_3704+3inv (NM_001406805.1, NM_001406797.1, NM_001406801.1 and 10 more transcripts); c.4082_4097+3inv (NM_001406795.1); c.3898-143_3898-125inv (NM_001406802.1); c.3992_4007+3inv (NM_001406813.1); c.3461_3476+3inv (NM_001406807.1, NM_001406799.1, NM_001406806.1); c.*7_*22+3inv (NM_001406800.1); and 9 more.
Identifiers: ClinVar variation 4658192 (VCV004658192.2).

ClinVar aggregate classification (germline): Uncertain significance (1 of 4 stars; one submission).

Conditions:
Hereditary cancer-predisposing syndrome. Also called: Hereditary Cancer Syndrome; Hereditary neoplastic syndrome; Neoplastic Syndromes, Hereditary; Tumor predisposition. Identifiers: Orphanet 140162, MedGen C0027672, MeSH D009386, MONDO:0015356.

Submission:

Ambry Genetics
Classification: Uncertain significance for Hereditary cancer-predisposing syndrome. Last evaluated: 2026-08-20. Review status: criteria provided, single submitter. Criteria: Ambry Variant Classification Scheme 2023. Collection method: clinical testing. Allele origin: germline.
Comment: The c.3986_4001+3DEL19INS19 variant spans coding exon 9 to intron 9 of the MSH6 gene and results from a deletion of 19 nucleotides (CACTACGATTATTTCGGTA) and insertion of 19 nucleotides (TACCGAAATAATCGTAGTG) at nucleotide positions c.3986 to c.4001+3. This variant occurs at the 3' terminus of the gene, is not expected to trigger nonsense-mediated mRNA decay, and only impacts the last 6.8% of the protein. The exact functional effect of this variant is unknown; however, the region predicted to be impacted is critical for protein function and a significant portion of the protein is affected (Ambry internal data). This variant is considered to be rare based on population cohorts in the Genome Aggregation Database (gnomAD). These nucleotide positions are well conserved on limited sequence alignment. In silico splice site analysis predicts that this alteration will weaken the native splice donor site. RNA studies have demonstrated that this variant results in abnormal splicing in the set of samples tested (Ambry internal data). Based on the majority of available evidence to date, this variant is likely to be pathogenic.